The following is an entry in ClinVar:

NM_000053.4(ATP7B):c.3678del (p.Ala1227fs)

Gene: ATP7B (ATPase copper transporting beta; minus strand). Cytogenetic location: 13q14.3.
Variant type: Deletion.
Coding change: c.3678del on transcript NM_000053.4 (MANE Select); coding-DNA position 3678, one base deleted (A; older notation c.3678delA).
Protein change: p.Ala1227fs; shifts the reading frame from alanine 1227.
Molecular consequence: frameshift variant.
Genome position (GRCh38, 1-based): chr13:51,939,072, T deleted on the plus strand (A on the coding strand, the reverse complement: ATP7B is on the minus strand). VCF-style (leftmost placement, unchanged base first): chr13-51939071-CT-C. GRCh37 (hg19) VCF-style: chr13-52513207-CT-C.
Other names: c.3057del, p.Ala1020fs (NM_001005918.3); c.3345del, p.Ala1116fs (NM_001243182.2); c.3444del, p.Ala1149fs (NM_001330578.2, NM_001406527.1, NM_001406528.1); c.3426del, p.Ala1143fs (NM_001330579.2, NM_001406531.1, NM_001406532.1); c.3678del, p.Ala1227fs (NM_001406511.1, NM_001406512.1, NM_001406526.1); c.3672del, p.Ala1225fs (NM_001406513.1); c.3645del, p.Ala1216fs (NM_001406514.1); c.3624del, p.Ala1209fs (NM_001406515.1, NM_001406516.1); and 20 more; short protein forms A1000fs, A1011fs, A1020fs, A1033fs, A1063fs, A1065fs, A1078fs, A1084fs.
Identifiers: ClinVar variation 5015153 (VCV005015153.1).
Genomic context (GRCh38, chr13:51,939,071, plus strand): 5'-TTATGAGCTTTACACAGTTTGCAACATTAAAGGGCTGTACCTGGGTGGCAATAGCTCTGG[CT>C]GTCTTCCGGTTGTCCCCCGTGATCAGAACCACGTCCACACCCATGCTCTGCAGCGTGTGC-3'

ClinVar aggregate classification (germline): Pathogenic (1 of 4 stars; one submission).

Conditions:
Wilson disease (WND). Also called: Wilson's disease. Identifiers: Orphanet 905, MedGen C0019202, MONDO:0010200, OMIM 277900. Disease mechanism: loss of function.

Submission:

Myriad Genetics, Inc.
Classification: Pathogenic for Wilson disease. Last evaluated: 2025-10-28. Review status: criteria provided, single submitter. Criteria: Myriad Autosomal Dominant, Autosomal Recessive and X-Linked Classification Criteria (2023). Collection method: clinical testing. Allele origin: unknown.
Comment: NM_000053.3(ATP7B):c.3678delA(A1227Pfs*103) is expected to be pathogenic in the context of Wilson disease. This variant is predicted to lead to an abnormal or absent protein product due to the creation of a premature termination codon in ATP7B, a gene where loss-of-function variants are known to be pathogenic. Please note: this variant was assessed in the context of healthy population screening.